The following is an entry in ClinVar:

NM_002485.5(NBN):c.2099dup (p.His701fs)

Gene: NBN (nibrin; minus strand). Cytogenetic location: 8q21.3.
Variant type: Duplication.
Coding change: c.2099dup on transcript NM_002485.5 (MANE Select); coding-DNA position 2099, one base duplicated (C; older notation c.2099dupC).
Protein change: p.His701fs; shifts the reading frame from histidine 701.
Molecular consequence: frameshift variant.
Genome position (GRCh38, 1-based): chr8:89,943,338, G duplicated on the plus strand (C on the coding strand, the reverse complement: NBN is on the minus strand); the first of 2 consecutive G bases (chr8:89,943,338-89,943,339); duplicating either gives the same sequence. VCF-style (leftmost placement, unchanged base first): chr8-89943337-T-TG. GRCh37 (hg19) VCF-style: chr8-90955565-T-TG.
Other names: c.1853dup, p.His619fs (NM_001024688.3); c.2099dupC (NM_002485.4); short protein forms H619fs, H701fs.
Identifiers: ClinVar variation 1785843 (VCV001785843.2), dbSNP rs1301956720, ClinGen allele CA2580079022.

ClinVar aggregate classification (germline): Uncertain significance (1 of 4 stars; one submission).

Conditions:
Hereditary cancer-predisposing syndrome. Also called: Neoplastic Syndromes, Hereditary; Tumor predisposition; Hereditary Cancer Syndrome; Hereditary neoplastic syndrome. Identifiers: Orphanet 140162, MedGen C0027672, MeSH D009386, MONDO:0015356.

Submission:

Ambry Genetics
Classification: Uncertain significance for Hereditary cancer-predisposing syndrome. Last evaluated: 2015-01-02. Review status: criteria provided, single submitter. Criteria: Ambry Variant Classification Scheme 2023. Collection method: clinical testing. Allele origin: germline.
Comment: The c.2099dupC variant, located in coding exon 14 of the NBN gene, results from a duplication of one nucleotide at position 2099, causing a translational frameshift with a predicted alternate stop codon. Per ACMG guidelines this variant could be interpreted as a disease-causing mutation (ACMG Recommendations for Standards for Interpretation and Reporting of Sequence Variations. Revision 2007. Genet Med. 2008;10:294); however, this duplication and subsequent frameshift occur near the 3' terminus of NBN and result in the removal of only the last 14 amino acids of the protein. The exact functional impact of these deleted amino acids is unknown at this time. This variant was not reported in population based cohorts in the following databases: Database of Single Nucleotide Polymorphisms (dbSNP), NHLBI Exome Sequencing Project (ESP), and 1000 Genomes Project. In the ESP, this variant was not observed in 6503 samples (13006 alleles) with coverage at this position. To date, this alteration has been detected with an allele frequency of approximately 0.003% (greater than 40000 alleles tested) in our clinical cohort. Since supporting evidence is limited at this time, the clinical significance of c.2099dupC remains unclear.